The following is an entry in ClinVar:

ClinVar aggregate classification (germline): Uncertain significance (1 of 4 stars; one submission).

Allele frequency attached by ClinVar (database versions not stated): ExAC 0.00001; gnomAD 0.00001.
gnomAD v4.1: 1 of 1,565,576 alleles (0.000064%); highest among the groups gnomAD compares: Non-Finnish European, 0.000087%; no homozygotes.

Submission:

Labcorp Genetics (formerly Invitae), Labcorp
Classification: Uncertain significance. Last evaluated: 2024-01-16. Review status: criteria provided, single submitter. Criteria: Invitae Variant Classification Sherloc (09022015). Collection method: clinical testing. Allele origin: germline.
Comment: This sequence change replaces tyrosine, which is neutral and polar, with histidine, which is basic and polar, at codon 583 of the NFKB1 protein (p.Tyr583His). This variant is present in population databases (rs779678187, gnomAD 0.0009%). This variant has not been reported in the literature in individuals affected with NFKB1-related conditions. An algorithm developed to predict the effect of missense changes on protein structure and function (PolyPhen-2) suggests that this variant is likely to be disruptive. In summary, the available evidence is currently insufficient to determine the role of this variant in disease. Therefore, it has been classified as a Variant of Uncertain Significance.

NM_003998.4(NFKB1):c.1747T>C (p.Tyr583His)

Genes: NFKB1 (nuclear factor kappa B subunit 1; plus strand), LOC126807127 (CDK7 strongly-dependent group 2 enhancer GRCh37_chr4:103521788-103522987; plus strand). Cytogenetic location: 4q24.
Variant type: single nucleotide variant.
Coding change: c.1747T>C on transcript NM_003998.4 (MANE Select); coding-DNA position 1747, T replaced by C.
Protein change: p.Tyr583His; replaces tyrosine 583 with histidine.
Molecular consequence: missense variant.
Genome position (GRCh38, 1-based): chr4:102,601,004, T>C. VCF-style: chr4-102601004-T-C. GRCh37 (hg19) VCF-style: chr4-103522161-T-C.
Other names: c.1744T>C, p.Tyr582His (NM_001165412.2, NM_001319226.2, NM_001382627.1); c.1747T>C, p.Tyr583His (NM_001382625.1, NM_001382626.1); c.1705T>C, p.Tyr569His (NM_001382628.1); short protein forms Y569H, Y583H, Y582H.
Identifiers: ClinVar variation 2709690 (VCV002709690.3), dbSNP rs779678187, ClinGen allele CA3026237.
Genomic context (GRCh38, chr4:102,601,004, plus strand): 5'-CTACTAGAAGTCACATCTGGTTTGATTTCTGATGACATTATCAACATGAGAAATGATCTG[T>C]ACCAGGTAAGCAGAAATCTCAAGAAAACAACTGAAGAAAAATCTGTAGTTTACTTTTTCT-3'
Protein context (NP_003989.2, residues 573-593): DDIINMRNDL[Tyr583His]QTPLHLAVIT